The following is an entry in ClinVar:

ClinVar aggregate classification (germline): Pathogenic (1 of 4 stars; one submission).

Conditions:
Peutz-Jeghers syndrome (PJS). Also called: Peutz-Jeghers polyposis; Periorificial lentiginosis syndrome; POLYPOSIS, HAMARTOMATOUS INTESTINAL; POLYPS-AND-SPOTS SYNDROME. Identifiers: Orphanet 2869, MedGen C0031269, MeSH D010580, MONDO:0008280, OMIM 175200.

Submission:

Labcorp Genetics (formerly Invitae), Labcorp
Classification: Pathogenic for Peutz-Jeghers syndrome. Last evaluated: 2016-07-09. Review status: criteria provided, single submitter. Criteria: Invitae Variant Classification Sherloc (09022015). Collection method: clinical testing. Allele origin: germline.
Comment: This sequence change deletes 1 nucleotide from exon 1 of the STK11 mRNA (c.129delC), causing a frameshift at codon 44. This creates a premature translational stop signal (p.Lys44Serfs*7) and is expected to result in an absent or disrupted protein product. While this particular variant has not been reported in the literature, truncating variants in STK11 are known to be pathogenic (PMID: 15188174, 16287113). For these reasons, this variant has been classified as Pathogenic.

Literature cited by the submitters: PubMed 15188174; PubMed 16287113.

NM_000455.5(STK11):c.129del (p.Lys44fs)

Gene: STK11 (serine/threonine kinase 11; plus strand). Cytogenetic location: 19p13.3.
Variant type: Deletion.
Coding change: c.129del on transcript NM_000455.5 (MANE Select); coding-DNA position 129, one base deleted (C; older notation c.129delC).
Protein change: p.Lys44fs; shifts the reading frame from lysine 44.
Molecular consequence: frameshift variant.
Genome position (GRCh38, 1-based): chr19:1,207,042, C deleted; the last of 2 consecutive C bases (chr19:1,207,041-1,207,042); deleting either gives the same sequence. VCF-style (leftmost placement, unchanged base first): chr19-1207040-GC-G. GRCh37 (hg19) VCF-style: chr19-1207039-GC-G.
Other names: c.129delC (NM_000455.4); short protein forms K44fs.
Identifiers: ClinVar variation 403779 (VCV000403779.6), dbSNP rs1060499961, ClinGen allele CA16616219.